The following is an entry in ClinVar:

NM_001082538.3(TCTN1):c.568G>T (p.Glu190Ter)

Gene: TCTN1 (tectonic family member 1; plus strand). Cytogenetic location: 12q24.11.
Variant type: single nucleotide variant.
Coding change: c.568G>T on transcript NM_001082538.3 (MANE Select); coding-DNA position 568, G replaced by T.
Protein change: p.Glu190Ter; replaces glutamic acid 190 with a stop codon.
Molecular consequence: nonsense. On other transcripts: non-coding transcript variant (1).
Genome position (GRCh38, 1-based): chr12:110,628,862, G>T. VCF-style: chr12-110628862-G-T. GRCh37 (hg19) VCF-style: chr12-111066667-G-T.
Other names: c.568G>T, p.Glu190Ter (NM_001082537.3, NM_001319680.2, NM_024549.6); c.400G>T, p.Glu134Ter (NM_001173975.3, NM_001319682.3); c.388G>T, p.Glu130Ter (NM_001173976.2); c.34G>T, p.Glu12Ter (NM_001319681.2); short protein forms E12*, E130*, E134*, E190*.
Identifiers: ClinVar variation 1696869 (VCV001696869.3), dbSNP rs1307879089, ClinGen allele CA386702502.

ClinVar aggregate classification (germline): Likely pathogenic. Review status: criteria provided, multiple submitters, no conflicts (2 of 4 stars). 2 submissions from 2 submitters: Likely pathogenic (2). Last evaluated 2022-07-12.

Conditions:
TCTN1-related disorder. Also called: TCTN1-related condition.

Allele frequency attached by ClinVar (database versions not stated): gnomAD exomes below 0.00001.
gnomAD v4.1: 32 of 1,613,632 alleles (0.002%); highest among the groups gnomAD compares: Non-Finnish European, 0.0027%; no homozygotes.

Submissions (2):

GeneDx
Classification: Likely pathogenic. Last evaluated: 2022-07-12. Review status: criteria provided, single submitter. Criteria: GeneDx Variant Classification Process June 2021. Collection method: clinical testing. Allele origin: germline. Affected: yes.
Comment: Nonsense variant predicted to result in protein truncation or nonsense mediated decay in a gene for which loss-of-function is a known mechanism of disease; Not observed at a significant frequency in large population cohorts (gnomAD); Has not been previously published as pathogenic or benign to our knowledge

Blueprint Genetics
Classification: Likely pathogenic for TCTN1-related disorders. Last evaluated: 2022-06-25. Review status: criteria provided, single submitter. Criteria: ACMG Guidelines, 2015. Collection method: clinical testing. Allele origin: germline. Affected: yes. Observed: 1 variant allele.